The following is an entry in ClinVar:

NM_001164508.2(NEB):c.13437del (p.Ile4480fs)

Gene: NEB (nebulin; minus strand). Cytogenetic location: 2q23.3.
Variant type: Deletion.
Coding change: c.13437del on transcript NM_001164508.2 (MANE Select); coding-DNA position 13437, one base deleted (G; older notation c.13437delG).
Protein change: p.Ile4480fs; shifts the reading frame from isoleucine 4480.
Molecular consequence: frameshift variant. On other transcripts: intron variant (1).
Genome position (GRCh38, 1-based): chr2:151,601,940, C deleted on the plus strand (G on the coding strand, the reverse complement: NEB is on the minus strand); the first of 3 consecutive C bases (chr2:151,601,940-151,601,942); deleting any one gives the same sequence. VCF-style (leftmost placement, unchanged base first): chr2-151601939-TC-T. GRCh37 (hg19) VCF-style: chr2-152458453-TC-T.
Other names: c.11601+7869del (NM_004543.5); c.13437del, p.Ile4480fs (NM_001271208.2, NM_001164507.2); short protein forms I4480fs.
Identifiers: ClinVar variation 2977838 (VCV002977838.3), dbSNP rs2552220863, ClinGen allele CA2740095728.

ClinVar aggregate classification (germline): Pathogenic (1 of 4 stars; one submission).

Conditions:
Nemaline myopathy 2 (NEM2). Also called: Nemaline myopathy 2, autosomal recessive. Identifiers: MedGen C1850569, MONDO:0009725, OMIM 256030.

Submission:

Labcorp Genetics (formerly Invitae), Labcorp
Classification: Pathogenic for Nemaline myopathy 2. Last evaluated: 2023-08-14. Review status: criteria provided, single submitter. Criteria: Invitae Variant Classification Sherloc (09022015). Collection method: clinical testing. Allele origin: germline.
Comment: This variant occurs in a region of NEB (Exons 82-105) consisting of three highly homologous 8-exon repeat units (exons 82-89, exons 90-97, exons 98-105). Sequence variants in this region can be detected, but this assay cannot determine which of the three repeat units is affected, and zygosity is often ambiguous. All variants in this region are reported relative to the exon 82-89 repeat. For these reasons, this variant has been classified as Pathogenic. This variant has not been reported in the literature in individuals affected with NEB-related conditions. The frequency data for this variant in the population databases (gnomAD) is considered unreliable due to the presence of homologous sequence, such as pseudogenes or paralogs, in the genome. This sequence change creates a premature translational stop signal (p.Ile4480Serfs*46) in the NEB gene. It is expected to result in an absent or disrupted protein product. Loss-of-function variants in NEB are known to be pathogenic (PMID: 25205138).

Literature cited by the submitters: PubMed 25205138.